The following is an entry in ClinVar:

NM_000540.3(RYR1):c.9123-4T>G

Gene: RYR1 (ryanodine receptor 1; plus strand). Cytogenetic location: 19q13.2.
Variant type: single nucleotide variant.
Coding change: c.9123-4T>G on transcript NM_000540.3 (MANE Select); 4 bases into the intron before coding-DNA position 9123, T replaced by G.
Molecular consequence: intron variant.
Genome position (GRCh38, 1-based): chr19:38,511,557, T>G. VCF-style: chr19-38511557-T-G. GRCh37 (hg19) VCF-style: chr19-39002197-T-G.
Other names: c.9123-4T>G (NM_001042723.2).
Identifiers: ClinVar variation 1586319 (VCV001586319.9), dbSNP rs1346638416, ClinGen allele CA882060471.

ClinVar aggregate classification (germline): Conflicting classifications of pathogenicity. Review status: criteria provided, conflicting classifications (1 of 4 stars). 3 submissions from 3 submitters: Uncertain significance (1); Likely benign (2). Last evaluated 2025-07-01.

Conditions:
Malignant hyperthermia, susceptibility to, 1 (MHS1). Also called: Malignant hyperthermia suceptibility 1; Anesthesia related hyperthermia; Malignant hyperpyrexia; Fulminating hyperpyrexia; Pharmacogenic myopathy; RYR1-Related Malignant Hyperthermia Susceptibility. Identifiers: Orphanet 423, MedGen C2930980, MONDO:0007783, OMIM 145600.
RYR1-related disorder. Also called: RYR1-related condition; RYR1-related disorders. Identifiers: MedGen CN239331.

Allele frequency attached by ClinVar (database versions not stated): gnomAD exomes below 0.00001; gnomAD 0.00001; TOPMed 0.00001.
gnomAD v4.1: 3 of 1,613,760 alleles (0.00019%); highest among the groups gnomAD compares: Admixed American, 0.0017%; no homozygotes.

Submissions (3):

Color Diagnostics, LLC DBA Color Health
Classification: Likely benign for Malignant hyperthermia, susceptibility to, 1. Last evaluated: 2025-07-01. Review status: criteria provided, single submitter. Criteria: ACMG Guidelines, 2015. Collection method: clinical testing. Allele origin: germline.

All of Us Research Program, National Institutes of Health
Classification: Uncertain significance for Malignant hyperthermia, susceptibility to, 1. Last evaluated: 2023-12-13. Review status: criteria provided, single submitter. Criteria: ACMG Guidelines, 2015. Collection method: clinical testing. Allele origin: germline. Inheritance: Autosomal dominant inheritance. Observed: 1 variant allele, 1 heterozygote.
Comment: This variant causes a T to G nucleotide substitution at the -4 position of intron 60 of the RYR1 gene. To our knowledge, functional studies have not been reported for this variant. This variant has not been reported in individuals affected with RYR1-related disorders in the literature. This variant has not been identified in the general population by the Genome Aggregation Database (gnomAD). The available evidence is insufficient to determine the role of this variant in disease conclusively. Therefore, this variant is classified as a Variant of Uncertain Significance.

This study involves interpretation of variants in research participants for the purpose of population health screening. Participant phenotype was not available at the time of variant classification. Additional details can be found in publication PMID: 35346344, PMCID: PMC8962531

Labcorp Genetics (formerly Invitae), Labcorp
Classification: Likely benign for RYR1-related disorder. Last evaluated: 2022-11-30. Review status: criteria provided, single submitter. Criteria: Invitae Variant Classification Sherloc (09022015). Collection method: clinical testing. Allele origin: germline.